The following is an entry in ClinVar:

NM_003640.5(ELP1):c.2629G>A (p.Ala877Thr)

Gene: ELP1 (elongator acetyltransferase complex subunit 1; minus strand). Cytogenetic location: 9q31.3.
Variant type: single nucleotide variant.
Coding change: c.2629G>A on transcript NM_003640.5 (MANE Select); coding-DNA position 2629, G replaced by A.
Protein change: p.Ala877Thr; replaces alanine 877 with threonine.
Molecular consequence: missense variant.
Genome position (GRCh38, 1-based): chr9:108,896,603, C>T on the plus strand (G>A on the coding strand, the complement: ELP1 is on the minus strand). VCF-style: chr9-108896603-C-T. GRCh37 (hg19) VCF-style: chr9-111658883-C-T.
Other names: c.2629G>A (LRG_251t1); c.2287G>A, p.Ala763Thr (NM_001318360.2); c.1582G>A, p.Ala528Thr (NM_001330749.2); short protein forms A528T, A763T, A877T.
Identifiers: ClinVar variation 650690 (VCV000650690.6), dbSNP rs146958186, ClinGen allele CA5174569.

ClinVar aggregate classification (germline): Uncertain significance. Review status: criteria provided, single submitter (1 of 4 stars). 2 submissions from 2 submitters: Uncertain significance (1). 1 of the submissions does not count toward it. Last evaluated 2022-04-18.

Conditions:
Familial dysautonomia. Also called: HSAN III; FD. Identifiers: Orphanet 1764, MedGen C0013364, MONDO:0009131, OMIM 223900. Disease mechanism: loss of function.

Allele frequency attached by ClinVar (database versions not stated): ExAC 0.00001; gnomAD 0.00001 and 0.00002; gnomAD exomes 0.00001; TOPMed 0.00004; ESP Exome Variant Server 0.00015.
gnomAD v4.1: 23 of 1,613,680 alleles (0.0014%); highest among the groups gnomAD compares: Non-Finnish European, 0.0019%; no homozygotes.

Submissions (2):

Labcorp Genetics (formerly Invitae), Labcorp
Classification: Uncertain significance. Last evaluated: 2022-04-18. Review status: criteria provided, single submitter. Criteria: Invitae Variant Classification Sherloc (09022015). Collection method: clinical testing. Allele origin: germline.
Comment: This sequence change replaces alanine, which is neutral and non-polar, with threonine, which is neutral and polar, at codon 877 of the ELP1 protein (p.Ala877Thr). This variant is present in population databases (rs146958186, gnomAD 0.003%). This variant has not been reported in the literature in individuals affected with ELP1-related conditions. ClinVar contains an entry for this variant (Variation ID: 650690). Algorithms developed to predict the effect of missense changes on protein structure and function are either unavailable or do not agree on the potential impact of this missense change (SIFT: "Tolerated"; PolyPhen-2: "Probably Damaging"; Align-GVGD: "Class C0"). In summary, the available evidence is currently insufficient to determine the role of this variant in disease. Therefore, it has been classified as a Variant of Uncertain Significance.

Natera, Inc.
Classification: Uncertain significance for Familial dysautonomia. Last evaluated: 2020-09-16. Review status: no assertion criteria provided. Collection method: clinical testing. Allele origin: germline. Not counted in ClinVar's aggregate classification.